The following is an entry in ClinVar:

ClinVar aggregate classification (germline): Uncertain significance (1 of 4 stars; one submission).

Submission:

Dasa
Classification: Uncertain significance. Last evaluated: 2025-11-17. Review status: criteria provided, single submitter. Criteria: DASA Assertion Criteria. Collection method: clinical testing. Allele origin: germline.
Comment: NM_001042492.3(NF1):c.7190-15_7190-8dup is an intronic variant. This variant is rare in population databases. The currently available literature and clinical evidence are not sufficient to establish a definitive association between this variant and the reported condition. Therefore, this variant is classified as a variant of uncertain significance.

NM_001042492.3(NF1):c.7190-33TTGT[8]

Gene: NF1 (neurofibromin 1; plus strand). Cytogenetic location: 17q11.2.
Variant type: Microsatellite.
Coding change: c.7190-33TTGT[8] on transcript NM_001042492.3 (MANE Select); eight copies in a row of the 4-base unit TTGT starting at c.7190-33.
Molecular consequence: intron variant.
Genome position: GRCh38 VCF-style: chr17-31349086-C-CTTGTTTGT. GRCh37 (hg19) VCF-style: chr17-29676104-C-CTTGTTTGT.
Other names: c.7127-33TTGT[8] (NM_000267.4); c.7190-15_7190-8dup (NM_001042492.3).
Identifiers: ClinVar variation 4884107 (VCV004884107.2).
Genomic context (GRCh38, chr17:31,349,086, plus strand): 5'-CAGAGTTGTTAGTCAGGGAAGAAGACCTCAGCAGATGCTTGTTCAAAAAATTAATTCTTA[C>CTTGTTTGT]TTGTTTGTTTGTTTGTTTGTTTGTTTTTTGTAGGGTACAGGCATCCTTCACCTGCTATTG-3'